The following is an entry in ClinVar:

ClinVar aggregate classification (germline): Uncertain significance (1 of 4 stars; one submission).

gnomAD v4.1: 9 of 1,613,932 alleles (0.00056%); highest among the groups gnomAD compares: South Asian, 0.0066%; no homozygotes.

Submission:

Labcorp Genetics (formerly Invitae), Labcorp
Classification: Uncertain significance. Last evaluated: 2025-01-15. Review status: criteria provided, single submitter. Criteria: Invitae Variant Classification Sherloc (09022015). Collection method: clinical testing. Allele origin: germline.
Comment: This sequence change replaces alanine, which is neutral and non-polar, with threonine, which is neutral and polar, at codon 77 of the CDH2 protein (p.Ala77Thr). This variant is present in population databases (rs767296927, gnomAD 0.003%). This variant has not been reported in the literature in individuals affected with CDH2-related conditions. An algorithm developed to predict the effect of missense changes on protein structure and function (PolyPhen-2) suggests that this variant is likely to be tolerated. In summary, the available evidence is currently insufficient to determine the role of this variant in disease. Therefore, it has been classified as a Variant of Uncertain Significance.

NM_001792.5(CDH2):c.229G>A (p.Ala77Thr)

Gene: CDH2 (cadherin 2; minus strand). Cytogenetic location: 18q12.1.
Variant type: single nucleotide variant.
Coding change: c.229G>A on transcript NM_001792.5 (MANE Select); coding-DNA position 229, G replaced by A.
Protein change: p.Ala77Thr; replaces alanine 77 with threonine.
Molecular consequence: missense variant.
Genome position (GRCh38, 1-based): chr18:28,013,853, C>T on the plus strand (G>A on the coding strand, the complement: CDH2 is on the minus strand). VCF-style: chr18-28013853-C-T. GRCh37 (hg19) VCF-style: chr18-25593817-C-T.
Other names: c.136G>A, p.Ala46Thr (NM_001308176.2); short protein forms A46T, A77T.
Identifiers: ClinVar variation 3687165 (VCV003687165.2).